The following is an entry in ClinVar:

NM_001142800.2(EYS):c.5836-1G>A

Gene: EYS (EGF-like photoreceptor maintenance factor; minus strand). Cytogenetic location: 6q12.
Variant type: single nucleotide variant.
Coding change: c.5836-1G>A on transcript NM_001142800.2 (MANE Select); the canonical splice acceptor site of the intron before coding-DNA position 5836, G replaced by A.
Molecular consequence: splice acceptor variant.
Genome position (GRCh38, 1-based): chr6:64,436,266, C>T on the plus strand (G>A on the coding strand, the complement: EYS is on the minus strand). VCF-style: chr6-64436266-C-T. GRCh37 (hg19) VCF-style: chr6-65146159-C-T.
Other names: c.5836-1G>A (NM_001292009.2).
Identifiers: ClinVar variation 1465076 (VCV001465076.9), dbSNP rs2150463984, ClinGen allele CA364392482.

ClinVar aggregate classification (germline): Likely pathogenic (1 of 4 stars; one submission).

Submission:

Labcorp Genetics (formerly Invitae), Labcorp
Classification: Likely pathogenic. Last evaluated: 2021-05-08. Review status: criteria provided, single submitter. Criteria: Invitae Variant Classification Sherloc (09022015). Collection method: clinical testing. Allele origin: germline.
Comment: In summary, the currently available evidence indicates that the variant is pathogenic, but additional data are needed to prove that conclusively. Therefore, this variant has been classified as Likely Pathogenic. Algorithms developed to predict the effect of sequence changes on RNA splicing suggest that this variant may disrupt the consensus splice site, but this prediction has not been confirmed by published transcriptional studies. Disruption of this splice site has been observed in individual(s) with clinical features of retinitis pigmentosa (Invitae). This variant is not present in population databases (ExAC no frequency). This sequence change affects an acceptor splice site in intron 27 of the EYS gene. It is expected to disrupt RNA splicing. Variants that disrupt the donor or acceptor splice site typically lead to a loss of protein function (PMID: 16199547), and loss-of-function variants in EYS are known to be pathogenic (PMID: 18836446, 20333770).

Literature cited by the submitters: PubMed 16199547; PubMed 18836446; PubMed 20333770.